The following is an entry in ClinVar:

NM_032119.4(ADGRV1):c.14366G>A (p.Arg4789Gln)

Gene: ADGRV1 (adhesion G protein-coupled receptor V1; plus strand). Cytogenetic location: 5q14.3.
Variant type: single nucleotide variant.
Coding change: c.14366G>A on transcript NM_032119.4 (MANE Select); coding-DNA position 14366, G replaced by A.
Protein change: p.Arg4789Gln; replaces arginine 4789 with glutamine.
Molecular consequence: missense variant. On other transcripts: non-coding transcript variant (1).
Genome position (GRCh38, 1-based): chr5:90,791,195, G>A. VCF-style: chr5-90791195-G-A. GRCh37 (hg19) VCF-style: chr5-90087012-G-A.
Other names: short protein forms R4789Q.
Identifiers: ClinVar variation 418237 (VCV000418237.7), dbSNP rs765849229, ClinGen allele CA3341713.

ClinVar aggregate classification (germline): Pathogenic/Likely pathogenic. Review status: criteria provided, multiple submitters, no conflicts (2 of 4 stars). 2 submissions from 2 submitters: Pathogenic (1); Likely pathogenic (1). Last evaluated 2024-12-16.

Allele frequency attached by ClinVar (database versions not stated): gnomAD exomes below 0.00001 and 0.00001; TOPMed below 0.00001; gnomAD 0.00001; ExAC 0.00003.
gnomAD v4.1: 8 of 1,613,806 alleles (0.0005%); highest among the groups gnomAD compares: Admixed American, 0.0033%; no homozygotes.

Submissions (2):

GeneDx
Classification: Likely pathogenic. Last evaluated: 2024-12-16. Review status: criteria provided, single submitter. Criteria: GeneDx Variant Classification Process June 2021. Collection method: clinical testing. Allele origin: germline. Affected: yes.
Comment: Not observed at significant frequency in large population cohorts (gnomAD); In silico analysis supports that this missense variant has a deleterious effect on protein structure/function; This variant is associated with the following publications: (PMID: 31589614, 31964843, 23462753, 24853665)

Labcorp Genetics (formerly Invitae), Labcorp
Classification: Pathogenic. Last evaluated: 2024-11-04. Review status: criteria provided, single submitter. Criteria: Invitae Variant Classification Sherloc (09022015). Collection method: clinical testing. Allele origin: germline.
Comment: This sequence change replaces arginine, which is basic and polar, with glutamine, which is neutral and polar, at codon 4789 of the ADGRV1 protein (p.Arg4789Gln). This variant is present in population databases (rs765849229, gnomAD 0.003%). This missense change has been observed in individual(s) with Usher syndrome or nonsyndromic deafness (PMID: 23462753, 24853665). In at least one individual the data is consistent with being in trans (on the opposite chromosome) from a pathogenic variant. ClinVar contains an entry for this variant (Variation ID: 418237). Invitae Evidence Modeling of protein sequence and biophysical properties (such as structural, functional, and spatial information, amino acid conservation, physicochemical variation, residue mobility, and thermodynamic stability) indicates that this missense variant is not expected to disrupt ADGRV1 protein function with a negative predictive value of 80%. This variant disrupts the p.Arg4789 amino acid residue in ADGRV1. Other variant(s) that disrupt this residue have been determined to be pathogenic (PMID: 22147658, 26969326; internal data). This suggests that this residue is clinically significant, and that variants that disrupt this residue are likely to be disease-causing. For these reasons, this variant has been classified as Pathogenic.

Literature cited by the submitters: PubMed 23462753 (cited by Labcorp Genetics (formerly Invitae), Labcorp); PubMed 24853665 (cited by Labcorp Genetics (formerly Invitae), Labcorp); PubMed 22147658 (cited by Labcorp Genetics (formerly Invitae), Labcorp); PubMed 26969326 (cited by Labcorp Genetics (formerly Invitae), Labcorp).